The following is an entry in ClinVar:

ClinVar aggregate classification (germline): Uncertain significance. Review status: criteria provided, multiple submitters, no conflicts (2 of 4 stars). 2 submissions from 2 submitters: Uncertain significance (2). Last evaluated 2025-03-27.

Conditions:
Inborn genetic diseases. Identifiers: MedGen C0950123, MeSH D030342.
KIF11-related disorder. Also called: KIF11-related condition.

gnomAD v4.1: 16 of 1,611,764 alleles (0.00099%); highest among the groups gnomAD compares: African/African-American, 0.0013%; no homozygotes.

Submissions (2):

PreventionGenetics, part of Exact Sciences
Classification: Uncertain significance for KIF11-related condition. Last evaluated: 2025-03-27. Review status: criteria provided, single submitter. Criteria: ACMG Guidelines, 2015. Collection method: clinical testing. Allele origin: germline.
Comment: The KIF11 c.3056G>A variant is predicted to result in the amino acid substitution p.Gly1019Glu. To our knowledge, this variant has not been reported in the literature. This variant is present in 0.0033% of alleles in individuals of South Asian descent in gnomAD. At this time, the clinical significance of this variant is uncertain due to the absence of conclusive functional and genetic evidence.

Ambry Genetics
Classification: Uncertain significance for Inborn genetic diseases. Last evaluated: 2024-07-10. Review status: criteria provided, single submitter. Criteria: Ambry Variant Classification Scheme 2023. Collection method: clinical testing. Allele origin: germline.

NM_004523.4(KIF11):c.3056G>A (p.Gly1019Glu)

Gene: KIF11 (kinesin family member 11; plus strand). Cytogenetic location: 10q23.33.
Variant type: single nucleotide variant.
Coding change: c.3056G>A on transcript NM_004523.4 (MANE Select); coding-DNA position 3056, G replaced by A.
Protein change: p.Gly1019Glu; replaces glycine 1019 with glutamic acid.
Molecular consequence: missense variant.
Genome position (GRCh38, 1-based): chr10:92,653,681, G>A. VCF-style: chr10-92653681-G-A. GRCh37 (hg19) VCF-style: chr10-94413438-G-A.
Other names: short protein forms G1019E.
Identifiers: ClinVar variation 3533684 (VCV003533684.2).